The following is an entry in ClinVar:

NM_152564.5(VPS13B):c.11994A>C (p.Ter3998Cys)

Gene: VPS13B (vacuolar protein sorting 13 homolog B; plus strand). Cytogenetic location: 8q22.2.
Variant type: single nucleotide variant.
Coding change: c.11994A>C on transcript NM_152564.5 (MANE Select); coding-DNA position 11994, A replaced by C.
Protein change: p.Ter3998Cys.
Molecular consequence: stop lost.
Genome position (GRCh38, 1-based): chr8:99,875,666, A>C. VCF-style: chr8-99875666-A-C. GRCh37 (hg19) VCF-style: chr8-100887894-A-C.
Other names: c.12069A>C, p.Ter4023Cys (NM_017890.5).
Identifiers: ClinVar variation 1952188 (VCV001952188.3), dbSNP rs1342319202, ClinGen allele CA371796355.

ClinVar aggregate classification (germline): Uncertain significance. Review status: criteria provided, multiple submitters, no conflicts (2 of 4 stars). 2 submissions from 2 submitters: Uncertain significance (2). Last evaluated 2022-07-13.

Conditions:
Cohen syndrome (COH1). Also called: Cutis verticis gyrata, retinitis pigmentosa, and sensorineural deafness; PEPPER SYNDROME. Identifiers: Orphanet 193, MedGen C0265223, MONDO:0008999, OMIM 216550.

Allele frequency attached by ClinVar (database versions not stated): gnomAD exomes below 0.00001.
gnomAD v4.1: 1 of 1,614,146 alleles (0.000062%); highest among the groups gnomAD compares: Admixed American, 0.0017%; no homozygotes.

Submissions (2):

Labcorp Genetics (formerly Invitae), Labcorp
Classification: Uncertain significance for Cohen syndrome. Last evaluated: 2022-07-13. Review status: criteria provided, single submitter. Criteria: Invitae Variant Classification Sherloc (09022015). Collection method: clinical testing. Allele origin: germline.
Comment: This sequence change disrupts the translational stop signal of the VPS13B mRNA. It is expected to extend the length of the VPS13B protein by 13 additional amino acid residues. This variant is present in population databases (no rsID available, gnomAD 0.003%). This variant has not been reported in the literature in individuals affected with VPS13B-related conditions. Experimental studies and prediction algorithms are not available or were not evaluated, and the functional significance of this variant is currently unknown. In summary, the available evidence is currently insufficient to determine the role of this variant in disease. Therefore, it has been classified as a Variant of Uncertain Significance.

Blueprint Genetics
Classification: Uncertain significance. Last evaluated: 2021-01-26. Review status: criteria provided, single submitter. Criteria: ACMG Guidelines, 2015. Collection method: clinical testing. Allele origin: germline.